The following continues an entry in ClinVar:

NM_001005242.3(PKP2):c.1627G>A (p.Val543Ile)

Gene: PKP2. ClinVar aggregate classification (germline): Conflicting classifications of pathogenicity. Uncertain significance (2); Benign (8); Likely benign (9).

Submissions 18 to 25 of 25:

CSER _CC_NCGL, University of Washington
Classification: Uncertain significance for Arrhythmogenic right ventricular cardiomyopathy. Last evaluated: 2014-06-01. Review status: criteria provided, single submitter. Criteria: Amendola et al. (Genome Res. 2015). Collection method: research. Allele origin: germline. Inheritance: Autosomal dominant inheritance. Study: ESP 6500 variant annotation.
Comment: Allele frequency may indicate a low penetrance or likely benign variant

Variants classified for the Actionable exomic incidental findings in 6503 participants: challenges of variant classification manuscript

Biesecker Lab/Clinical Genomics Section, National Institutes of Health
Classification: Benign for Arrhythmogenic right ventricular cardiomyopathy. Last evaluated: 2013-06-24. Review status: criteria provided, single submitter. Criteria: Ng et al. (Circ Cardiovasc Genet. 2013). Collection method: research. Allele origin: unknown. Observed: 6 variant alleles. Study: ClinSeq.
Comment: The study set was not selected for affection status in relation to any cancer. Pathogenicity categories were based on literature curation. See Pubmed ID:23861362 for details.

Medical sequencing

PreventionGenetics, part of Exact Sciences
Classification: Benign for PKP2-related condition. Last evaluated: 2019-03-13. Review status: no assertion criteria provided. Collection method: clinical testing. Allele origin: germline. Not counted in ClinVar's aggregate classification.
Comment: This variant is classified as benign based on ACMG/AMP sequence variant interpretation guidelines (Richards et al. 2015 PMID: 25741868, with internal and published modifications).

Clinical Genetics DNA and cytogenetics Diagnostics Lab, Erasmus MC, Erasmus Medical Center
Classification: Likely benign. Review status: no assertion criteria provided. Collection method: clinical testing. Allele origin: germline. Affected: yes. Study: VKGL Data-share Consensus. Not counted in ClinVar's aggregate classification.

Clinical Genetics, Academic Medical Center
Classification: Benign. Review status: no assertion criteria provided. Collection method: clinical testing. Allele origin: germline. Affected: yes. Study: VKGL Data-share Consensus. Not counted in ClinVar's aggregate classification.

Diagnostic Laboratory, Department of Genetics, University Medical Center Groningen
Classification: Likely benign. Review status: no assertion criteria provided. Collection method: clinical testing. Allele origin: germline. Affected: yes. Study: VKGL Data-share Consensus. Not counted in ClinVar's aggregate classification.

Genome Diagnostics Laboratory, University Medical Center Utrecht
Classification: Benign. Review status: no assertion criteria provided. Collection method: clinical testing. Allele origin: germline. Affected: yes. Study: VKGL Data-share Consensus. Not counted in ClinVar's aggregate classification.

Joint Genome Diagnostic Labs from Nijmegen and Maastricht, Radboudumc and MUMC+
Classification: Benign. Review status: no assertion criteria provided. Collection method: clinical testing. Allele origin: germline. Affected: yes. Study: VKGL Data-share Consensus. Not counted in ClinVar's aggregate classification.

Literature cited by the submitters: PubMed 16774985 (cited by 3 submitters); PubMed 19863551 (cited by Women's Health and Genetics/Laboratory Corporation of America, LabCorp and Laboratory for Molecular Medicine, Mass General Brigham Personalized Medicine); PubMed 19955750 (cited by 4 submitters); PubMed 20400443 (cited by Women's Health and Genetics/Laboratory Corporation of America, LabCorp and Laboratory for Molecular Medicine, Mass General Brigham Personalized Medicine); PubMed 21636032 (cited by Women's Health and Genetics/Laboratory Corporation of America, LabCorp and Illumina Laboratory Services, Illumina); PubMed 23812740 (cited by Women's Health and Genetics/Laboratory Corporation of America, LabCorp); PubMed 21859740 (cited by Women's Health and Genetics/Laboratory Corporation of America, LabCorp); PubMed 23810894 (cited by Women's Health and Genetics/Laboratory Corporation of America, LabCorp); PubMed 20031617 (cited by Women's Health and Genetics/Laboratory Corporation of America, LabCorp); PubMed 24503780 (cited by Women's Health and Genetics/Laboratory Corporation of America, LabCorp); PubMed 22781308 (cited by Women's Health and Genetics/Laboratory Corporation of America, LabCorp); PubMed 23671136 (cited by Women's Health and Genetics/Laboratory Corporation of America, LabCorp); PubMed 25637381 (cited by Women's Health and Genetics/Laboratory Corporation of America, LabCorp); PubMed 25163546 (cited by Women's Health and Genetics/Laboratory Corporation of America, LabCorp); PubMed 26743238 (cited by Women's Health and Genetics/Laboratory Corporation of America, LabCorp and Ambry Genetics); PubMed 25979592 (cited by Women's Health and Genetics/Laboratory Corporation of America, LabCorp and Ambry Genetics); PubMed 27153395 (cited by Women's Health and Genetics/Laboratory Corporation of America, LabCorp); PubMed 29099038 (cited by Women's Health and Genetics/Laboratory Corporation of America, LabCorp); PubMed 29802319 (cited by Women's Health and Genetics/Laboratory Corporation of America, LabCorp); PubMed 30656044 (cited by Women's Health and Genetics/Laboratory Corporation of America, LabCorp); PubMed 20152563 (cited by Ambry Genetics); PubMed 23861362 (cited by Ambry Genetics); PubMed 25825243 (cited by Ambry Genetics); PubMed 28255936 (cited by Ambry Genetics); PubMed 18382419 (cited by Laboratory for Molecular Medicine, Mass General Brigham Personalized Medicine).